The following is an entry in ClinVar:

ClinVar aggregate classification (germline): Conflicting classifications of pathogenicity. Review status: criteria provided, conflicting classifications (1 of 4 stars). 3 submissions from 3 submitters: Uncertain significance (2); Likely benign (1). Last evaluated 2025-08-30.

Conditions:
Cardiomyopathy (CMYO). Also called: Cardiomyopathies. Identifiers: Orphanet 167848, MedGen C0878544, MONDO:0004994, HP:0001638. Inheritance: Various modes of inheritance.
Hypertrophic cardiomyopathy. Also called: HYPERTROPHIC MYOCARDIOPATHY. Identifiers: Orphanet 217569, MedGen C0007194, MeSH D002312, MONDO:0005045, HP:0001639.

Allele frequency attached by ClinVar (database versions not stated): gnomAD exomes below 0.00001; ExAC 0.00001; gnomAD 0.00001; ESP Exome Variant Server 0.00008.

Submissions (3):

Labcorp Genetics (formerly Invitae), Labcorp
Classification: Uncertain significance for Hypertrophic cardiomyopathy. Last evaluated: 2025-08-30. Review status: criteria provided, single submitter. Criteria: Invitae Variant Classification Sherloc (09022015). Collection method: clinical testing. Allele origin: germline.
Comment: This sequence change replaces lysine, which is basic and polar, with arginine, which is basic and polar, at codon 125 of the MYL3 protein (p.Lys125Arg). This variant is present in population databases (rs377597439, gnomAD 0.008%). This missense change has been observed in individual(s) with sudden unexplained death (PMID: 29247119). ClinVar contains an entry for this variant (Variation ID: 2734490). An algorithm developed to predict the effect of missense changes on protein structure and function (PolyPhen-2) suggests that this variant is likely to be tolerated. In summary, the available evidence is currently insufficient to determine the role of this variant in disease. Therefore, it has been classified as a Variant of Uncertain Significance.

Color Diagnostics, LLC DBA Color Health
Classification: Likely benign for Cardiomyopathy. Last evaluated: 2025-08-20. Review status: criteria provided, single submitter. Criteria: ACMG Guidelines, 2015. Collection method: clinical testing. Allele origin: germline.

Blueprint Genetics
Classification: Uncertain significance. Last evaluated: 2024-08-20. Review status: criteria provided, single submitter. Criteria: ACMG Guidelines, 2015. Collection method: clinical testing. Allele origin: germline.

Literature cited by the submitters: PubMed 29247119 (cited by Labcorp Genetics (formerly Invitae), Labcorp).

NM_000258.3(MYL3):c.374A>G (p.Lys125Arg)

Gene: MYL3 (myosin light chain 3; minus strand). Cytogenetic location: 3p21.31.
Variant type: single nucleotide variant.
Coding change: c.374A>G on transcript NM_000258.3 (MANE Select); coding-DNA position 374, A replaced by G.
Protein change: p.Lys125Arg; replaces lysine 125 with arginine.
Molecular consequence: missense variant.
Genome position (GRCh38, 1-based): chr3:46,859,582, T>C on the plus strand (A>G on the coding strand, the complement: MYL3 is on the minus strand). VCF-style: chr3-46859582-T-C. GRCh37 (hg19) VCF-style: chr3-46901072-T-C.
Other names: c.374A>G, p.Lys125Arg (NM_001406937.1, NM_001406938.1, NM_001406939.1); c.200A>G, p.Lys67Arg (NM_001406940.1, NM_001406941.1); short protein forms K67R, K125R.
Identifiers: ClinVar variation 2734490 (VCV002734490.5), dbSNP rs377597439, ClinGen allele CA043932.
Genomic context (GRCh38, chr3:46,859,582, plus strand): 5'-TTGCCCTCCTTGTCGAAGACCCGCAGCCCCTCCACGAAGTCCTCATAGGTGCCTGTGTCC[T>C]TGTTCTTGGAAATGTGCTGGAGCATAGGCAGGAAAGTTTCAAAGTCCATCATCTTGGTAT-3'
Protein context (NP_000249.1, residues 115-135): LPMLQHISKN[Lys125Arg]DTGTYEDFVE